The following is an entry in ClinVar:

ClinVar aggregate classification (germline): Uncertain significance. Review status: criteria provided, single submitter (1 of 4 stars). 2 submissions from 2 submitters: Uncertain significance (1). 1 of the submissions does not count toward it. Last evaluated 2025-08-02.

Conditions:
TAL1-related disorder. Also called: TAL1-related condition.

Allele frequency attached by ClinVar (database versions not stated): gnomAD exomes 0.00012; gnomAD 0.00143; TOPMed 0.00153; 1000 Genomes Project 30x 0.00297; 1000 Genomes Project 0.00300.
gnomAD v4.1: 354 of 1,284,062 alleles (0.028%); highest among the groups gnomAD compares: African/African-American, 0.51%; 2 homozygotes.

Submissions (2):

Ambry Genetics
Classification: Uncertain significance. Last evaluated: 2025-08-02. Review status: criteria provided, single submitter. Criteria: Ambry Variant Classification Scheme 2023. Collection method: clinical testing. Allele origin: germline.

PreventionGenetics, part of Exact Sciences
Classification: Likely benign for TAL1-related condition. Last evaluated: 2023-02-26. Review status: no assertion criteria provided. Collection method: clinical testing. Allele origin: germline. Not counted in ClinVar's aggregate classification.
Comment: This variant is classified as likely benign based on ACMG/AMP sequence variant interpretation guidelines (Richards et al. 2015 PMID: 25741868, with internal and published modifications).

NM_001290403.2(TAL1):c.311C>T (p.Ala104Val)

Gene: TAL1 (TAL bHLH transcription factor 1, erythroid differentiation factor; minus strand). Cytogenetic location: 1p33.
Variant type: single nucleotide variant.
Coding change: c.311C>T on transcript NM_001290403.2 (MANE Select); coding-DNA position 311, C replaced by T.
Protein change: p.Ala104Val; replaces alanine 104 with valine.
Molecular consequence: missense variant. On other transcripts: intron variant (1).
Genome position (GRCh38, 1-based): chr1:47,225,578, G>A on the plus strand (C>T on the coding strand, the complement: TAL1 is on the minus strand). VCF-style: chr1-47225578-G-A. GRCh37 (hg19) VCF-style: chr1-47691250-G-A.
Other names: c.311C>T (NM_003189.2); c.311C>T, p.Ala104Val (NM_001287347.2, NM_001290404.1, NM_001290405.1 and 1 more transcripts); c.-31-1480C>T (NM_001290406.2); short protein forms A104V.
Identifiers: ClinVar variation 3038868 (VCV003038868.3), dbSNP rs555769229, ClinGen allele CA22045041.